The following is an entry in ClinVar:

NM_152384.3(BBS5):c.568_603delinsTATTAAAACTATCATTCATATTTGCATG (p.His190_Ile201delinsTyrTer)

Gene: BBS5 (Bardet-Biedl syndrome 5; plus strand). Cytogenetic location: 2q31.1.
Variant type: Indel.
Coding change: c.568_603delinsTATTAAAACTATCATTCATATTTGCATG on transcript NM_152384.3 (MANE Select); coding-DNA positions 568 to 603, the reference bases replaced by TATTAAAACTATCATTCATATTTGCATG.
Protein change: p.His190_Ile201delinsTyrTer.
Molecular consequence: nonsense.
Genome position (GRCh38, 1-based): chr2:169,493,786-169,493,821, 36 bases replaced. GRCh37 (hg19): chr2:170,350,296-170,350,331.
Identifiers: ClinVar variation 4731987 (VCV004731987.1).

ClinVar aggregate classification (germline): Pathogenic (1 of 4 stars; one submission).

Conditions:
Bardet-Biedl syndrome (BBS). Identifiers: Orphanet 110, MedGen C0752166, MONDO:0015229.

Submission:

Labcorp Genetics (formerly Invitae), Labcorp
Classification: Pathogenic for Bardet-Biedl syndrome. Last evaluated: 2025-11-25. Review status: criteria provided, single submitter. Criteria: Invitae Variant Classification Sherloc (09022015). Collection method: clinical testing. Allele origin: germline.
Comment: This sequence change creates a premature translational stop signal (p.His190delinsTyr*) in the BBS5 gene. It is expected to result in an absent or disrupted protein product. Loss-of-function variants in BBS5 are known to be pathogenic (PMID: 15137946, 16877420, 26325687, 27708425, 28041643, 29806606). This variant is not present in population databases (gnomAD no frequency). This variant has not been reported in the literature in individuals affected with BBS5-related conditions. For these reasons, this variant has been classified as Pathogenic.

Literature cited by the submitters: PubMed 15137946; PubMed 16877420; PubMed 26325687; PubMed 27708425; PubMed 28041643; PubMed 29806606.